The following is an entry in ClinVar:

ClinVar aggregate classification (germline): Uncertain significance (1 of 4 stars; one submission).

Conditions:
Short-rib thoracic dysplasia 10 with or without polydactyly (SRTD10). Identifiers: Orphanet 474, MedGen C3810175, MONDO:0014284, OMIM 615630.
Retinitis pigmentosa 71 (RP71). Identifiers: Orphanet 791, MedGen C4225342, MONDO:0014618, OMIM 616394.

Submission:

Labcorp Genetics (formerly Invitae), Labcorp
Classification: Uncertain significance for Retinitis pigmentosa 71; Short-rib thoracic dysplasia 10 with or without polydactyly. Last evaluated: 2022-08-10. Review status: criteria provided, single submitter. Criteria: Invitae Variant Classification Sherloc (09022015). Collection method: clinical testing. Allele origin: germline.
Comment: This variant has not been reported in the literature in individuals affected with IFT172-related conditions. This variant is not present in population databases (gnomAD no frequency). This variant, c.3313_3327del, results in the deletion of 5 amino acid(s) of the IFT172 protein (p.Arg1105_Lys1109del), but otherwise preserves the integrity of the reading frame. ClinVar contains an entry for this variant (Variation ID: 1502680). In summary, the available evidence is currently insufficient to determine the role of this variant in disease. Therefore, it has been classified as a Variant of Uncertain Significance. Experimental studies and prediction algorithms are not available or were not evaluated, and the functional significance of this variant is currently unknown.

NM_015662.3(IFT172):c.3313_3327del (p.Arg1105_Lys1109del)

Gene: IFT172 (intraflagellar transport 172; minus strand). Cytogenetic location: 2p23.3.
Variant type: Deletion.
Coding change: c.3313_3327del on transcript NM_015662.3 (MANE Select); coding-DNA positions 3313 to 3327, 15 bases deleted (AGACTGCTTAATAAG).
Protein change: p.Arg1105_Lys1109del.
Molecular consequence: inframe deletion.
Genome position (GRCh38, 1-based): chr2:27,456,555-27,456,569, CTTATTAAGCAGTCT deleted on the plus strand (AGACTGCTTAATAAG on the coding strand, the reverse complement: IFT172 is on the minus strand). VCF-style (leftmost placement, unchanged base first): chr2-27456554-GCTTATTAAGCAGTCT-G. GRCh37 (hg19) VCF-style: chr2-27679421-GCTTATTAAGCAGTCT-G.
Identifiers: ClinVar variation 1502680 (VCV001502680.8), dbSNP rs2148494469, ClinGen allele CA2573134519.